The following is an entry in ClinVar:

NM_002109.6(HARS1):c.473G>A (p.Arg158Gln)

Gene: HARS1 (histidyl-tRNA synthetase 1; minus strand). Cytogenetic location: 5q31.3.
Variant type: single nucleotide variant.
Coding change: c.473G>A on transcript NM_002109.6 (MANE Select); coding-DNA position 473, G replaced by A.
Protein change: p.Arg158Gln; replaces arginine 158 with glutamine.
Molecular consequence: missense variant. On other transcripts: intron variant (4).
Genome position (GRCh38, 1-based): chr5:140,679,051, C>T on the plus strand (G>A on the coding strand, the complement: HARS1 is on the minus strand). VCF-style: chr5-140679051-C-T. GRCh37 (hg19) VCF-style: chr5-140058636-C-T.
Other names: c.353G>A, p.Arg118Gln (NM_001258040.3); c.386G>A, p.Arg129Gln (NM_001289094.2); c.181-1036G>A (NM_001289093.2); c.342+11G>A (NM_001258042.3); c.301-1036G>A (NM_001289092.2); c.462+11G>A (NM_001258041.3); short protein forms R118Q, R129Q, R158Q.
Identifiers: ClinVar variation 1317408 (VCV001317408.4), dbSNP rs1274278544, ClinGen allele CA361256996.

ClinVar aggregate classification (germline): Uncertain significance. Review status: criteria provided, multiple submitters, no conflicts (2 of 4 stars). 2 submissions from 2 submitters: Uncertain significance (2). Last evaluated 2024-12-10.

Conditions:
Usher syndrome type 3B. Also called: USHER SYNDROME, TYPE IIIB. Identifiers: MedGen C3281066, MONDO:0013788, OMIM 614504.

Allele frequency attached by ClinVar (database versions not stated): gnomAD exomes below 0.00001 and 0.00001; TOPMed below 0.00001.

Submissions (2):

Labcorp Genetics (formerly Invitae), Labcorp
Classification: Uncertain significance for Usher syndrome type 3B. Last evaluated: 2024-12-10. Review status: criteria provided, single submitter. Criteria: Invitae Variant Classification Sherloc (09022015). Collection method: clinical testing. Allele origin: germline.
Comment: This sequence change replaces arginine, which is basic and polar, with glutamine, which is neutral and polar, at codon 158 of the HARS protein (p.Arg158Gln). This variant is present in population databases (no rsID available, gnomAD 0.007%). This variant has not been reported in the literature in individuals affected with HARS-related conditions. ClinVar contains an entry for this variant (Variation ID: 1317408). Invitae Evidence Modeling of protein sequence and biophysical properties (such as structural, functional, and spatial information, amino acid conservation, physicochemical variation, residue mobility, and thermodynamic stability) indicates that this missense variant is expected to disrupt HARS protein function with a positive predictive value of 80%. In summary, the available evidence is currently insufficient to determine the role of this variant in disease. Therefore, it has been classified as a Variant of Uncertain Significance.

GeneDx
Classification: Uncertain significance. Last evaluated: 2019-09-13. Review status: criteria provided, single submitter. Criteria: GeneDx Variant Classification Process June 2021. Collection method: clinical testing. Allele origin: germline. Affected: yes.
Comment: Has not been previously published as pathogenic or benign to our knowledge